The following is an entry in ClinVar:

NM_005902.4(SMAD3):c.747_763del (p.Ala250fs)

Gene: SMAD3 (SMAD family member 3; plus strand). Cytogenetic location: 15q22.33.
Variant type: Deletion.
Coding change: c.747_763del on transcript NM_005902.4 (MANE Select); coding-DNA positions 747 to 763, 17 bases deleted (CGCCTCGCAGCCATCCA).
Protein change: p.Ala250fs; shifts the reading frame from alanine 250.
Molecular consequence: frameshift variant.
Genome position (GRCh38, 1-based): chr15:67,181,329-67,181,345, CGCCTCGCAGCCATCCA deleted; deleting any 17 consecutive bases within chr15:67,181,325-67,181,345 gives the same sequence; the c. name uses the placement nearest the transcript's 3' end. VCF-style (leftmost placement, unchanged base first): chr15-67181324-TTCCACGCCTCGCAGCCA-T. GRCh37 (hg19) VCF-style: chr15-67473662-TTCCACGCCTCGCAGCCA-T.
Other names: c.432_448del, p.Ala145fs (NM_001145102.2, NM_001407016.1); c.615_631del, p.Ala206fs (NM_001145103.2, NM_001407012.1); c.162_178del, p.Ala55fs (NM_001145104.2, NM_001407017.1); c.747_763del, p.Ala250fs (NM_001407011.1, NM_001407013.1); c.600_616del, p.Ala201fs (NM_001407014.1); c.300_316del, p.Ala101fs (NM_001407015.1); short protein forms A101fs, A206fs, A145fs, A250fs, A55fs, A201fs.
Identifiers: ClinVar variation 4751057 (VCV004751057.1).

ClinVar aggregate classification (germline): Pathogenic (1 of 4 stars; one submission).

Conditions:
Familial thoracic aortic aneurysm and aortic dissection (TAAD). Also called: Thoracic aortic aneurysms and dissections. Identifiers: Orphanet 91387, MedGen C4707243, MONDO:0019625.

Submission:

Labcorp Genetics (formerly Invitae), Labcorp
Classification: Pathogenic for Familial thoracic aortic aneurysm and aortic dissection. Last evaluated: 2025-12-24. Review status: criteria provided, single submitter. Criteria: Invitae Variant Classification Sherloc (09022015). Collection method: clinical testing. Allele origin: germline.
Comment: This sequence change creates a premature translational stop signal (p.Ala250Aspfs*55) in the SMAD3 gene. It is expected to result in an absent or disrupted protein product. Loss-of-function variants in SMAD3 are known to be pathogenic (PMID: 21778426, 24804794). This variant is not present in population databases (gnomAD no frequency). This premature translational stop signal has been observed in individual(s) with SMAD3-related conditions (PMID: 30661052). For these reasons, this variant has been classified as Pathogenic.

Literature cited by the submitters: PubMed 21778426; PubMed 24804794; PubMed 30661052.